The following is an entry in ClinVar:

ClinVar aggregate classification (germline): Uncertain significance (1 of 4 stars; one submission).

Conditions:
X-linked distal spinal muscular atrophy type 3. Also called: SPINAL MUSCULAR ATROPHY, DISTAL, X-LINKED RECESSIVE; NEURONOPATHY, DISTAL HEREDITARY MOTOR, X-LINKED; NEUROPATHY, DISTAL HEREDITARY MOTOR, X-LINKED; ATP7A-Related Distal Motor Neuropathy. Identifiers: Orphanet 139557, MedGen C1845359, MONDO:0010338, OMIM 300489.
Menkes kinky-hair syndrome (MNK). Also called: Classic Menkes Disease; Menkes Disease; Copper transport disease. Identifiers: Orphanet 565, MedGen C0022716, MONDO:0010651, OMIM 309400.
Cutis laxa, X-linked (OHS). Also called: EDS IX; Occipital horn syndrome. Identifiers: Orphanet 198, MedGen C0268353, MONDO:0010572, OMIM 304150.

Submission:

Labcorp Genetics (formerly Invitae), Labcorp
Classification: Uncertain significance for X-linked distal spinal muscular atrophy type 3; Cutis laxa, X-linked; Menkes kinky-hair syndrome. Last evaluated: 2025-05-15. Review status: criteria provided, single submitter. Criteria: Invitae Variant Classification Sherloc (09022015). Collection method: clinical testing. Allele origin: germline.
Comment: This sequence change replaces isoleucine, which is neutral and non-polar, with threonine, which is neutral and polar, at codon 1264 of the ATP7A protein (p.Ile1264Thr). This variant is not present in population databases (gnomAD no frequency). This variant has not been reported in the literature in individuals affected with ATP7A-related conditions. ClinVar contains an entry for this variant (Variation ID: 1024449). Invitae Evidence Modeling of protein sequence and biophysical properties (such as structural, functional, and spatial information, amino acid conservation, physicochemical variation, residue mobility, and thermodynamic stability) has been performed for this missense variant. However, the output from this modeling did not meet the statistical confidence thresholds required to predict the impact of this variant on ATP7A protein function. In summary, the available evidence is currently insufficient to determine the role of this variant in disease. Therefore, it has been classified as a Variant of Uncertain Significance.

NM_000052.7(ATP7A):c.3791T>C (p.Ile1264Thr)

Gene: ATP7A (ATPase copper transporting alpha; plus strand). Cytogenetic location: Xq21.1.
Variant type: single nucleotide variant.
Coding change: c.3791T>C on transcript NM_000052.7 (MANE Select); coding-DNA position 3791, T replaced by C.
Protein change: p.Ile1264Thr; replaces isoleucine 1264 with threonine.
Molecular consequence: missense variant. On other transcripts: non-coding transcript variant (1).
Genome position (GRCh38, 1-based): chrX:78,040,723, T>C. VCF-style: chrX-78040723-T-C. GRCh37 (hg19) VCF-style: chrX-77296221-T-C.
Other names: c.3557T>C, p.Ile1186Thr (NM_001282224.2); short protein forms I1186T, I1264T.
Identifiers: ClinVar variation 1024449 (VCV001024449.9), dbSNP rs2078042001, ClinGen allele CA413604973.